The following is an entry in ClinVar:

ClinVar aggregate classification (germline): Likely benign (0 of 4 stars; one submission).

Conditions:
VPS13B-related disorder. Also called: VPS13B-related condition.

gnomAD v4.1: 4 of 1,612,316 alleles (0.00025%); highest among the groups gnomAD compares: East Asian, 0.0022%; no homozygotes.

Submission:

PreventionGenetics, part of Exact Sciences
Classification: Likely benign for VPS13B-related condition. Last evaluated: 2024-09-27. Review status: no assertion criteria provided. Collection method: clinical testing. Allele origin: germline.
Comment: This variant is classified as likely benign based on ACMG/AMP sequence variant interpretation guidelines (Richards et al. 2015 PMID: 25741868, with internal and published modifications).

NM_152564.5(VPS13B):c.2334-6G>C

Gene: VPS13B (vacuolar protein sorting 13 homolog B; plus strand). Cytogenetic location: 8q22.2.
Variant type: single nucleotide variant.
Coding change: c.2334-6G>C on transcript NM_152564.5 (MANE Select); 6 bases into the intron before coding-DNA position 2334, G replaced by C.
Molecular consequence: intron variant.
Genome position (GRCh38, 1-based): chr8:99,192,870, G>C. VCF-style: chr8-99192870-G-C. GRCh37 (hg19) VCF-style: chr8-100205098-G-C.
Other names: c.2334-6G>C (NM_017890.5, NM_015243.3).
Identifiers: ClinVar variation 3347817 (VCV003347817.1).